The following is an entry in ClinVar:

NM_014159.7(SETD2):c.3580A>G (p.Ile1194Val)

Gene: SETD2 (SET domain containing 2, histone lysine methyltransferase; minus strand). Cytogenetic location: 3p21.31.
Variant type: single nucleotide variant.
Coding change: c.3580A>G on transcript NM_014159.7 (MANE Select); coding-DNA position 3580, A replaced by G.
Protein change: p.Ile1194Val; replaces isoleucine 1194 with valine.
Molecular consequence: missense variant. On other transcripts: non-coding transcript variant (1).
Genome position (GRCh38, 1-based): chr3:47,121,056, T>C on the plus strand (A>G on the coding strand, the complement: SETD2 is on the minus strand). VCF-style: chr3-47121056-T-C. GRCh37 (hg19) VCF-style: chr3-47162546-T-C.
Other names: c.3448A>G, p.Ile1150Val (NM_001349370.3); short protein forms I1194V, I1150V.
Identifiers: ClinVar variation 654683 (VCV000654683.6), dbSNP rs541209644, ClinGen allele CA2363364.

ClinVar aggregate classification (germline): Uncertain significance (1 of 4 stars; one submission).

Conditions:
Luscan-Lumish syndrome. Identifiers: Orphanet 597738, MedGen C4085873, MONDO:0014791, OMIM 616831.

Allele frequency attached by ClinVar (database versions not stated): gnomAD exomes below 0.00001 and 0.00002; gnomAD 0.00001; ExAC 0.00002; 1000 Genomes Project 30x 0.00031; 1000 Genomes Project 0.00040.
gnomAD v4.1: 9 of 1,614,176 alleles (0.00056%); highest among the groups gnomAD compares: East Asian, 0.0089%; no homozygotes.

Submission:

Labcorp Genetics (formerly Invitae), Labcorp
Classification: Uncertain significance for Luscan-Lumish syndrome. Last evaluated: 2024-09-05. Review status: criteria provided, single submitter. Criteria: Invitae Variant Classification Sherloc (09022015). Collection method: clinical testing. Allele origin: germline.
Comment: This sequence change replaces isoleucine, which is neutral and non-polar, with valine, which is neutral and non-polar, at codon 1194 of the SETD2 protein (p.Ile1194Val). This variant is present in population databases (rs541209644, gnomAD 0.02%). This variant has not been reported in the literature in individuals affected with SETD2-related conditions. ClinVar contains an entry for this variant (Variation ID: 654683). Invitae Evidence Modeling of protein sequence and biophysical properties (such as structural, functional, and spatial information, amino acid conservation, physicochemical variation, residue mobility, and thermodynamic stability) indicates that this missense variant is not expected to disrupt SETD2 protein function with a negative predictive value of 80%. In summary, the available evidence is currently insufficient to determine the role of this variant in disease. Therefore, it has been classified as a Variant of Uncertain Significance.